The following is an entry in ClinVar:

NM_005343.4(HRAS):c.10T>C (p.Tyr4His)

Genes: HRAS (HRas proto-oncogene, GTPase; minus strand), LRRC56 (leucine rich repeat containing 56; plus strand). Cytogenetic location: 11p15.5.
Variant type: single nucleotide variant.
Coding change: c.10T>C on transcript NM_005343.4 (MANE Select); coding-DNA position 10, T replaced by C.
Protein change: p.Tyr4His; replaces tyrosine 4 with histidine.
Molecular consequence: missense variant. On other transcripts: 5 prime UTR variant (1).
Genome position (GRCh38, 1-based): chr11:534,313, A>G on the plus strand (T>C on the coding strand, the complement: HRAS is on the minus strand). VCF-style: chr11-534313-A-G. GRCh37 (hg19) VCF-style: chr11-534313-A-G.
Other names: c.10T>C, p.Tyr4His (NM_001130442.3, NM_176795.5); c.-310T>C (NM_001318054.2); short protein forms Y4H.
Identifiers: ClinVar variation 496286 (VCV000496286.1), dbSNP rs1554885164, ClinGen allele CA378926252.

ClinVar aggregate classification (germline): Uncertain significance (1 of 4 stars; one submission).

Allele frequency attached by ClinVar (database versions not stated): gnomAD exomes below 0.00001.
gnomAD v4.1: 1 of 1,612,574 alleles (0.000062%); highest among the groups gnomAD compares: East Asian, 0.0022%; no homozygotes.

Submission:

Women's Health and Genetics/Laboratory Corporation of America, LabCorp
Classification: Uncertain significance. Last evaluated: 2017-03-06. Review status: criteria provided, single submitter. Criteria: LabCorp Variant Classification Summary - May 2015. Collection method: clinical testing. Allele origin: germline.
Comment: Variant summary: The HRAS c.10T>C (p.Tyr4His) variant located within conserved GTP-binding protein domain (via InterPro), however outside of GTP/Mg2+ binding site or GEF functional sites. This change involves the alteration of a conserved nucleotide with 2/4 in silico tools (SNPs&GO not captured due to low reliability index) predict a benign outcome, although these predictions have yet to be functionally assessed. The variant of interest was not observed among 118836 control chromosomes (ExAC). A publication, Milinkovic_2014, cites the variant to have been identified in a Cerebellar glioblastoma tumor, however, it was not verified whether it was a germline or a somatic event. The variant of interest has not been, to our knowledge, reported by clinical diagnostic laboratories or reputable databases. Multiple pathogenic variants affecting codons Gly12_Gly13 have been reported, but variants upstream (before position c.34) have not been reported as pathogenic by any databases/clinical diagnostic laboratories, to date. In addition, both ExAC and gnomAD, report another alteration of the same codon, p.Tyr4Cys, identified in 6/65224 and 7/126246 European chrs tested, respectively. Due to the absence of clinical information and lack of functional studies, the variant of interest has been classified as a "Variant of Uncertain Significance (VUS)."

Literature cited by the submitters: PubMed 25036404.